The following is an entry in ClinVar:

NM_001283009.2(RTEL1):c.2581C>G (p.Leu861Val)

Genes: RTEL1 (regulator of telomere elongation helicase 1; plus strand), RTEL1-TNFRSF6B (RTEL1-TNFRSF6B readthrough (NMD candidate); plus strand). Cytogenetic location: 20q13.33.
Variant type: single nucleotide variant.
Coding change: c.2581C>G on transcript NM_001283009.2 (MANE Select); coding-DNA position 2581, C replaced by G.
Protein change: p.Leu861Val; replaces leucine 861 with valine.
Molecular consequence: missense variant. On other transcripts: non-coding transcript variant (1).
Genome position (GRCh38, 1-based): chr20:63,691,766, C>G. VCF-style: chr20-63691766-C-G. GRCh37 (hg19) VCF-style: chr20-62323119-C-G.
Other names: c.1912C>G, p.Leu638Val (NM_001283010.1); c.2581C>G, p.Leu861Val (NM_016434.4); c.2653C>G, p.Leu885Val (NM_032957.5); short protein forms L638V, L861V, L885V.
Identifiers: ClinVar variation 4863532 (VCV004863532.1).

ClinVar aggregate classification (germline): Uncertain significance (1 of 4 stars; one submission).

Conditions:
Inborn genetic diseases. Identifiers: MedGen C0950123, MeSH D030342.

Submission:

Ambry Genetics
Classification: Uncertain significance for Inborn genetic diseases. Last evaluated: 2026-03-31. Review status: criteria provided, single submitter. Criteria: Ambry Variant Classification Scheme 2023. Collection method: clinical testing. Allele origin: germline.
Comment: The p.L861V variant (also known as c.2581C>G), located in coding exon 27 of the RTEL1 gene, results from a C to G substitution at nucleotide position 2581. The leucine at codon 861 is replaced by valine, an amino acid with highly similar properties. This amino acid position is conserved. In addition, this alteration is predicted to be tolerated by in silico analysis. Based on the available evidence, the clinical significance of this variant remains unclear.